The following is an entry in ClinVar:

ClinVar aggregate classification (germline): Uncertain significance (1 of 4 stars; one submission).

Submission:

GeneDx
Classification: Uncertain significance. Last evaluated: 2023-11-15. Review status: criteria provided, single submitter. Criteria: GeneDx Variant Classification Process June 2021. Collection method: clinical testing. Allele origin: germline. Affected: yes.
Comment: Not observed at significant frequency in large population cohorts (gnomAD); In silico analysis is inconclusive as to whether the variant alters gene splicing. In the absence of RNA/functional studies, the actual effect of this sequence change is unknown.; Has not been previously published as pathogenic or benign to our knowledge

NM_015443.4(KANSL1):c.2724+3A>G

Gene: KANSL1 (KAT8 regulatory NSL complex subunit 1). Cytogenetic location: 17q21.31.
Variant type: single nucleotide variant.
Coding change: c.2724+3A>G on transcript NM_015443.4 (MANE Select); 3 bases into the intron after coding-DNA position 2724, A replaced by G.
Molecular consequence: intron variant.
Genome position (GRCh38, 1-based): chr17:46,033,400, T>C on the plus strand (A>G on the coding strand, the complement: KANSL1 is on the minus strand). VCF-style: chr17-46033400-T-C. GRCh37 (hg19) VCF-style: chr17-44110766-T-C.
Other names: c.1266+3A>G (NM_001405885.1); c.1269+3A>G (NM_001405884.1); c.1455+3A>G (NM_001405883.1); c.1458+3A>G (NM_001405882.1); c.2619+3A>G (NM_001405881.1, NM_001405861.1); c.2622+3A>G (NM_001405859.1, NM_001405860.1); c.2532+3A>G (NM_001405879.1, NM_001405880.1); c.2535+3A>G (NM_001405875.1, NM_001405878.1, NM_001405877.1 and 1 more transcripts); and 2 more.
Identifiers: ClinVar variation 3364408 (VCV003364408.1).